The following is an entry in ClinVar:

ClinVar aggregate classification (germline): Uncertain significance (1 of 4 stars; one submission).

Submission:

Labcorp Genetics (formerly Invitae), Labcorp
Classification: Uncertain significance. Last evaluated: 2022-06-13. Review status: criteria provided, single submitter. Criteria: Invitae Variant Classification Sherloc (09022015). Collection method: clinical testing. Allele origin: germline.
Comment: This sequence change replaces glutamic acid, which is acidic and polar, with glycine, which is neutral and non-polar, at codon 625 of the DSG1 protein (p.Glu625Gly). This variant is not present in population databases (gnomAD no frequency). This variant has not been reported in the literature in individuals affected with DSG1-related conditions. Algorithms developed to predict the effect of missense changes on protein structure and function are either unavailable or do not agree on the potential impact of this missense change (SIFT: "Deleterious"; PolyPhen-2: "Benign"; Align-GVGD: "Class C0"). In summary, the available evidence is currently insufficient to determine the role of this variant in disease. Therefore, it has been classified as a Variant of Uncertain Significance.

NM_001942.4(DSG1):c.1874A>G (p.Glu625Gly)

Genes: DSG1-AS1 (DSG1 antisense RNA 1; minus strand), DSG1 (desmoglein 1; plus strand). Cytogenetic location: 18q12.1.
Variant type: single nucleotide variant.
Coding change: c.1874A>G on transcript NM_001942.4 (MANE Select); coding-DNA position 1874, A replaced by G.
Protein change: p.Glu625Gly; replaces glutamic acid 625 with glycine.
Molecular consequence: missense variant.
Genome position (GRCh38, 1-based): chr18:31,343,978, A>G. VCF-style: chr18-31343978-A-G. GRCh37 (hg19) VCF-style: chr18-28923941-A-G.
Other names: short protein forms E625G.
Identifiers: ClinVar variation 1378100 (VCV001378100.8), dbSNP rs2144107777, ClinGen allele CA402117627.